The following is an entry in ClinVar:

ClinVar aggregate classification (germline): Uncertain significance (1 of 4 stars; one submission).

Conditions:
Mendelian susceptibility to mycobacterial diseases due to complete IL12RB1 deficiency. Also called: IL12RB1 DEFICIENCY; Immunodeficiency 30. Identifiers: Orphanet 319552, MedGen C4013949, MONDO:0013955, OMIM 614891.

Allele frequency attached by ClinVar (database versions not stated): gnomAD 0.00001; TOPMed 0.00001.
gnomAD v4.1: 2 of 1,613,134 alleles (0.00012%); highest among the groups gnomAD compares: African/African-American, 0.0013%; no homozygotes.

Submission:

Labcorp Genetics (formerly Invitae), Labcorp
Classification: Uncertain significance for Mendelian susceptibility to mycobacterial diseases due to complete IL12RB1 deficiency. Last evaluated: 2022-05-24. Review status: criteria provided, single submitter. Criteria: Invitae Variant Classification Sherloc (09022015). Collection method: clinical testing. Allele origin: germline.
Comment: This sequence change replaces tyrosine, which is neutral and polar, with cysteine, which is neutral and slightly polar, at codon 53 of the IL12RB1 protein (p.Tyr53Cys). This variant is not present in population databases (gnomAD no frequency). This variant has not been reported in the literature in individuals affected with IL12RB1-related conditions. Algorithms developed to predict the effect of missense changes on protein structure and function are either unavailable or do not agree on the potential impact of this missense change (SIFT: "Deleterious"; PolyPhen-2: "Probably Damaging"; Align-GVGD: "Class C0"). In summary, the available evidence is currently insufficient to determine the role of this variant in disease. Therefore, it has been classified as a Variant of Uncertain Significance.

NM_005535.3(IL12RB1):c.158A>G (p.Tyr53Cys)

Gene: IL12RB1 (interleukin 12 receptor subunit beta 1; minus strand). Cytogenetic location: 19p13.11.
Variant type: single nucleotide variant.
Coding change: c.158A>G on transcript NM_005535.3 (MANE Select); coding-DNA position 158, A replaced by G.
Protein change: p.Tyr53Cys; replaces tyrosine 53 with cysteine.
Molecular consequence: missense variant.
Genome position (GRCh38, 1-based): chr19:18,082,231, T>C on the plus strand (A>G on the coding strand, the complement: IL12RB1 is on the minus strand). VCF-style: chr19-18082231-T-C. GRCh37 (hg19) VCF-style: chr19-18193041-T-C.
Other names: c.158A>G, p.Tyr53Cys (NM_001290023.2, NM_153701.3); c.278A>G, p.Tyr93Cys (NM_001290024.2); short protein forms Y93C, Y53C.
Identifiers: ClinVar variation 1998257 (VCV001998257.1), dbSNP rs1300166633, ClinGen allele CA404790305.